The following is an entry in ClinVar:

ClinVar aggregate classification (germline): Benign. Review status: criteria provided, multiple submitters, no conflicts (2 of 4 stars). 8 submissions from 8 submitters: Benign (6). 2 of the submissions do not count toward it. Last evaluated 2026-02-03.

Conditions:
Combined oxidative phosphorylation defect type 7. Identifiers: Orphanet 254930, MedGen C3150801, MONDO:0013306, OMIM 613559.
Spastic paraplegia. Identifiers: MedGen C0037772, HP:0001258.
Hereditary spastic paraplegia. Also called: Familial spastic paraparesis. Identifiers: Orphanet 685, MedGen C0037773, MONDO:0019064. Disease mechanism: loss of function.

Allele frequency attached by ClinVar (database versions not stated): 1000 Genomes Project 0.00779; 1000 Genomes Project 30x 0.00843; gnomAD 0.01735 and 0.01784; TOPMed 0.01820; gnomAD exomes 0.01887; ESP Exome Variant Server 0.01922; ExAC 0.01939.
gnomAD v4.1: 34,517 of 1,614,092 alleles (2.1%); highest among the groups gnomAD compares: Non-Finnish European, 2.5%; 465 homozygotes.

Submissions (8):

Labcorp Genetics (formerly Invitae), Labcorp
Classification: Benign for Combined oxidative phosphorylation defect type 7; Spastic paraplegia. Last evaluated: 2026-02-03. Review status: criteria provided, single submitter. Criteria: Invitae Variant Classification Sherloc (09022015). Collection method: clinical testing. Allele origin: germline.

Genome Diagnostics Laboratory, The Hospital for Sick Children
Classification: Benign for Hereditary spastic paraplegia. Last evaluated: 2021-11-15. Review status: criteria provided, single submitter. Criteria: ACMG Guidelines, 2015. Collection method: clinical testing. Allele origin: germline. Affected: yes.

Illumina Laboratory Services, Illumina
Classification: Benign for Combined oxidative phosphorylation defect type 7. Last evaluated: 2018-01-13. Review status: criteria provided, single submitter. Criteria: ICSL Variant Classification Criteria 13 December 2019. Collection method: clinical testing. Allele origin: germline.
Comment: This variant was observed in the ICSL laboratory as part of a predisposition screen in an ostensibly healthy population. It had not been previously curated by ICSL or reported in the Human Gene Mutation Database (HGMD: prior to June 1st, 2018), and was therefore a candidate for classification through an automated scoring system. Utilizing variant allele frequency, disease prevalence and penetrance estimates, and inheritance mode, an automated score was calculated to assess if this variant is too frequent to cause the disease. Based on the score and internal cut-off values, a variant classified as benign is not then subjected to further curation. The score for this variant resulted in a classification of benign for this disease.

GeneDx
Classification: Benign. Last evaluated: 2014-03-03. Review status: criteria provided, single submitter. Criteria: GeneDx Variant Classification (06012015). Collection method: clinical testing. Allele origin: germline. Affected: yes.
Comment: This variant is considered likely benign or benign based on one or more of the following criteria: it is a conservative change, it occurs at a poorly conserved position in the protein, it is predicted to be benign by multiple in silico algorithms, and/or has population frequency not consistent with disease.

Breakthrough Genomics
Classification: Benign. Review status: criteria provided, single submitter. Criteria: ACMG Guidelines, 2015. Collection method: not provided. Allele origin: germline. Inheritance: Autosomal recessive inheritance. Affected: yes.

PreventionGenetics, part of Exact Sciences
Classification: Benign. Review status: criteria provided, single submitter. Criteria: ACMG Guidelines, 2015. Collection method: clinical testing. Allele origin: germline.

Mayo Clinic Laboratories, Mayo Clinic
Classification: Likely benign. Last evaluated: 2016-03-08. Review status: no assertion criteria provided. Collection method: clinical testing. Allele origin: unknown. Not counted in ClinVar's aggregate classification.

Genetic Services Laboratory, University of Chicago
Classification: Likely benign for AllHighlyPenetrant. Review status: no assertion criteria provided. Collection method: clinical testing. Allele origin: germline. Inheritance: Autosomal recessive inheritance. Not counted in ClinVar's aggregate classification.
Comment: Likely benign based on allele frequency in 1000 Genomes Project or ESP global frequency and its presence in a patient with a rare or unrelated disease phenotype. NOT Sanger confirmed.

NM_152269.5(MTRFR):c.44G>A (p.Arg15Gln)

Gene: MTRFR (mitochondrial translation release factor in rescue; plus strand). Cytogenetic location: 12q24.31.
Variant type: single nucleotide variant.
Coding change: c.44G>A on transcript NM_152269.5 (MANE Select); coding-DNA position 44, G replaced by A.
Protein change: p.Arg15Gln; replaces arginine 15 with glutamine.
Molecular consequence: missense variant.
Genome position (GRCh38, 1-based): chr12:123,253,718, G>A. VCF-style: chr12-123253718-G-A. GRCh37 (hg19) VCF-style: chr12-123738265-G-A.
Other names: p.R15Q:CGA>CAA; c.44G>A, p.Arg15Gln (NM_001143905.2, NM_001194995.1); short protein forms R15Q.
Identifiers: ClinVar variation 128535 (VCV000128535.26), dbSNP rs78651634, ClinGen allele CA288699.
Genomic context (GRCh38, chr12:123,253,718, plus strand): 5'-GCAGAGCCACGTTCCTTATGAGCACCGTGGGTTTATTTCATTTTCCTACACCACTGACCC[G>A]AATATGCCCGGCGCCATGGGGACTCCGGCTTTGGGAGAAGCTGACGTTGTTATCCCCAGG-3'
Protein context (NP_689482.1, residues 5-25): GLFHFPTPLT[Arg15Gln]ICPAPWGLRL